The following is an entry in ClinVar:

NM_020708.5(SLC12A5):c.1600C>G (p.Pro534Ala)

Gene: SLC12A5 (solute carrier family 12 member 5; plus strand). Cytogenetic location: 20q13.12.
Variant type: single nucleotide variant.
Coding change: c.1600C>G on transcript NM_020708.5 (MANE Select); coding-DNA position 1600, C replaced by G.
Protein change: p.Pro534Ala; replaces proline 534 with alanine.
Molecular consequence: missense variant.
Genome position (GRCh38, 1-based): chr20:46,045,908, C>G. VCF-style: chr20-46045908-C-G. GRCh37 (hg19) VCF-style: chr20-44674547-C-G.
Other names: c.1669C>G, p.Pro557Ala (NM_001134771.2); c.1600C>G (NM_020708.4); short protein forms P534A, P557A.
Identifiers: ClinVar variation 2015641 (VCV002015641.5), dbSNP rs2515643826, ClinGen allele CA409195986.

ClinVar aggregate classification (germline): Uncertain significance (1 of 4 stars; one submission).

Conditions:
Developmental and epileptic encephalopathy, 34 (DEE34). Also called: SLC12A5-Related Epilepsy of Infancy with Migrating Focal Seizures; Early infantile epileptic encephalopathy 34. Identifiers: Orphanet 293181, MedGen C4225257, MONDO:0014718, OMIM 616645.

Submission:

Labcorp Genetics (formerly Invitae), Labcorp
Classification: Uncertain significance for Developmental and epileptic encephalopathy, 34. Last evaluated: 2024-10-22. Review status: criteria provided, single submitter. Criteria: Invitae Variant Classification Sherloc (09022015). Collection method: clinical testing. Allele origin: germline.
Comment: This sequence change replaces proline, which is neutral and non-polar, with alanine, which is neutral and non-polar, at codon 534 of the SLC12A5 protein (p.Pro534Ala). This variant is not present in population databases (gnomAD no frequency). This variant has not been reported in the literature in individuals affected with SLC12A5-related conditions. ClinVar contains an entry for this variant (Variation ID: 2015641). Invitae Evidence Modeling of protein sequence and biophysical properties (such as structural, functional, and spatial information, amino acid conservation, physicochemical variation, residue mobility, and thermodynamic stability) indicates that this missense variant is expected to disrupt SLC12A5 protein function with a positive predictive value of 80%. In summary, the available evidence is currently insufficient to determine the role of this variant in disease. Therefore, it has been classified as a Variant of Uncertain Significance.